The following is an entry in ClinVar:

NM_147127.5(EVC2):c.2039T>C (p.Leu680Pro)

Gene: EVC2 (EvC ciliary complex subunit 2; minus strand). Cytogenetic location: 4p16.2.
Variant type: single nucleotide variant.
Coding change: c.2039T>C on transcript NM_147127.5 (MANE Select); coding-DNA position 2039, T replaced by C.
Protein change: p.Leu680Pro; replaces leucine 680 with proline.
Molecular consequence: missense variant.
Genome position (GRCh38, 1-based): chr4:5,625,756, A>G on the plus strand (T>C on the coding strand, the complement: EVC2 is on the minus strand). VCF-style: chr4-5625756-A-G. GRCh37 (hg19) VCF-style: chr4-5627483-A-G.
Other names: c.1799T>C, p.Leu600Pro (NM_001166136.2); short protein forms L680P, L600P.
Identifiers: ClinVar variation 349064 (VCV000349064.13), dbSNP rs148407223, ClinGen allele CA2834859.
Genomic context (GRCh38, chr4:5,625,756, plus strand): 5'-TGGGTATCAGAAAGTGCCTATGCAAAGAATAAATAGCATCATGCCTTATATACCTTTTGT[A>G]GCAACTCTCGTCTTCTCTTAGTTATTAATTTTTGGTGGAGCTTTTTCTTTTCCTGCTTTA-3'
Protein context (NP_667338.3, residues 670-690): KLITKRRREL[Leu680Pro]QKHREQRREQ

ClinVar aggregate classification (germline): Uncertain significance. Review status: criteria provided, multiple submitters, no conflicts (2 of 4 stars). 6 submissions from 6 submitters: Uncertain significance (5). 1 of the submissions does not count toward it. Last evaluated 2026-09-02.

Conditions:
EVC2-related disorder. Also called: EVC2-related condition.
Ellis-van Creveld syndrome (EVC). Also called: MESOECTODERMAL DYSPLASIA; Chondroectodermal dysplasia. Identifiers: Orphanet 289, MedGen C0013903, MONDO:0009162, OMIM 225500.
Curry-Hall syndrome (WAD). Also called: WEYERS ACRODENTAL DYSOSTOSIS. Identifiers: Orphanet 952, MedGen C0457013, MONDO:0008673, OMIM 193530.

Allele frequency attached by ClinVar (database versions not stated): gnomAD exomes 0.00012 and 0.00023; ExAC 0.00017; gnomAD 0.00017 and 0.00019; TOPMed 0.00024; ESP Exome Variant Server 0.00031.
gnomAD v4.1: 222 of 1,614,156 alleles (0.014%); highest among the groups gnomAD compares: Middle Eastern, 0.2%; 1 homozygote.

Submissions (6):

GeneDx
Classification: Uncertain significance. Last evaluated: 2026-09-02. Review status: criteria provided, single submitter. Criteria: GeneDx Variant Classification Process June 2021. Collection method: clinical testing. Allele origin: germline.
Comment: Reported as a homozygous variant in a proband with ventriculomegaly, short limbs, rhizomelic shortening, and a ventricular septal defect who also harbors a second homozygous missense variant in the EVC2 gene (PMID: 39891418); In silico analysis supports that this missense variant has a deleterious effect on protein structure/function; This variant is associated with the following publications: (PMID: 39891418)

Labcorp Genetics (formerly Invitae), Labcorp
Classification: Uncertain significance for Curry-Hall syndrome; Ellis-van Creveld syndrome. Last evaluated: 2024-12-02. Review status: criteria provided, single submitter. Criteria: Invitae Variant Classification Sherloc (09022015). Collection method: clinical testing. Allele origin: germline.
Comment: This sequence change replaces leucine, which is neutral and non-polar, with proline, which is neutral and non-polar, at codon 680 of the EVC2 protein (p.Leu680Pro). This variant is present in population databases (rs148407223, gnomAD 0.2%). This variant has not been reported in the literature in individuals affected with EVC2-related conditions. ClinVar contains an entry for this variant (Variation ID: 349064). An algorithm developed to predict the effect of missense changes on protein structure and function (PolyPhen-2) suggests that this variant is likely to be disruptive. In summary, the available evidence is currently insufficient to determine the role of this variant in disease. Therefore, it has been classified as a Variant of Uncertain Significance.

Blueprint Genetics
Classification: Uncertain significance. Last evaluated: 2024-09-16. Review status: criteria provided, single submitter. Criteria: ACMG Guidelines, 2015. Collection method: clinical testing. Allele origin: germline.

Women's Health and Genetics/Laboratory Corporation of America, LabCorp
Classification: Uncertain significance. Last evaluated: 2023-11-03. Review status: criteria provided, single submitter. Criteria: LabCorp Variant Classification Summary - May 2015. Collection method: clinical testing. Allele origin: germline.
Comment: Variant summary: EVC2 c.2039T>C (p.Leu680Pro) results in a non-conservative amino acid change in the encoded protein sequence. Five of five in-silico tools predict a damaging effect of the variant on protein function. The variant allele was found at a frequency of 0.00023 in 251362 control chromosomes (gnomAD). This frequency is not significantly higher than estimated for a pathogenic variant in EVC2 causing Ellis-van Creveld syndrome (0.00023 vs 0.0029), allowing no conclusion about variant significance. To our knowledge, no occurrence of c.2039T>C in individuals affected with Ellis-van Creveld syndrome and no experimental evidence demonstrating its impact on protein function have been reported. Two submitters have cited clinical-significance assessments for this variant to ClinVar after 2014. Both submitters classified the variant as uncertain significance. Based on the evidence outlined above, the variant was classified as uncertain significance.

Illumina Laboratory Services, Illumina
Classification: Uncertain significance for Ellis-van Creveld syndrome. Last evaluated: 2018-01-12. Review status: criteria provided, single submitter. Criteria: ICSL Variant Classification Criteria 13 December 2019. Collection method: clinical testing. Allele origin: germline.

PreventionGenetics, part of Exact Sciences
Classification: Likely benign for EVC2-related condition. Last evaluated: 2022-07-20. Review status: no assertion criteria provided. Collection method: clinical testing. Allele origin: germline. Not counted in ClinVar's aggregate classification.
Comment: This variant is classified as likely benign based on ACMG/AMP sequence variant interpretation guidelines (Richards et al. 2015 PMID: 25741868, with internal and published modifications).